The following is an entry in ClinVar:

ClinVar aggregate classification (germline): Uncertain significance (1 of 4 stars; one submission).

Allele frequency attached by ClinVar (database versions not stated): ExAC 0.00001; gnomAD exomes 0.00001; TOPMed 0.00001; gnomAD 0.00002.
gnomAD v4.1: 8 of 1,604,506 alleles (0.0005%); highest among the groups gnomAD compares: South Asian, 0.0022%; no homozygotes.

Submission:

Labcorp Genetics (formerly Invitae), Labcorp
Classification: Uncertain significance. Last evaluated: 2021-11-27. Review status: criteria provided, single submitter. Criteria: Invitae Variant Classification Sherloc (09022015). Collection method: clinical testing. Allele origin: germline.
Comment: In summary, the available evidence is currently insufficient to determine the role of this variant in disease. Therefore, it has been classified as a Variant of Uncertain Significance. Algorithms developed to predict the effect of missense changes on protein structure and function are either unavailable or do not agree on the potential impact of this missense change (SIFT: "Deleterious"; PolyPhen-2: "Not Available"; Align-GVGD: "Class C0"). This variant has not been reported in the literature in individuals affected with SON-related conditions. This variant is present in population databases (rs752248601, gnomAD 0.007%). This sequence change replaces arginine, which is basic and polar, with tryptophan, which is neutral and slightly polar, at codon 1998 of the SON protein (p.Arg1998Trp).

NM_138927.4(SON):c.5992C>T (p.Arg1998Trp)

Gene: SON (SON DNA and RNA binding protein; plus strand). Cytogenetic location: 21q22.11.
Variant type: single nucleotide variant.
Coding change: c.5992C>T on transcript NM_138927.4 (MANE Select); coding-DNA position 5992, C replaced by T.
Protein change: p.Arg1998Trp; replaces arginine 1998 with tryptophan.
Molecular consequence: missense variant. On other transcripts: non-coding transcript variant (1), intron variant (1).
Genome position (GRCh38, 1-based): chr21:33,555,223, C>T. VCF-style: chr21-33555223-C-T. GRCh37 (hg19) VCF-style: chr21-34927529-C-T.
Other names: c.5992C>T, p.Arg1998Trp (NM_001291411.2, NM_032195.3); c.245-1933C>T (NM_001291412.3); short protein forms R1998W.
Identifiers: ClinVar variation 1483947 (VCV001483947.6), dbSNP rs752248601, ClinGen allele CA10009862.